The following is an entry in ClinVar:

ClinVar aggregate classification (germline): Likely benign. Review status: criteria provided, multiple submitters, no conflicts (2 of 4 stars). 3 submissions from 3 submitters: Likely benign (3). Last evaluated 2025-01-09.

Conditions:
PDE6C-related disorder. Also called: PDE6C-related condition.

Allele frequency attached by ClinVar (database versions not stated): gnomAD 0.00005 and 0.00008; gnomAD exomes 0.00005 and 0.00015; ESP Exome Variant Server 0.00008; TOPMed 0.00012; ExAC 0.00014; 1000 Genomes Project 0.00020; 1000 Genomes Project 30x 0.00031.
gnomAD v4.1: 84 of 1,592,070 alleles (0.0053%); highest among the groups gnomAD compares: East Asian, 0.087%; no homozygotes.

Submissions (3):

Labcorp Genetics (formerly Invitae), Labcorp
Classification: Likely benign. Last evaluated: 2025-01-09. Review status: criteria provided, single submitter. Criteria: Invitae Variant Classification Sherloc (09022015). Collection method: clinical testing. Allele origin: germline.

PreventionGenetics, part of Exact Sciences
Classification: Likely benign for PDE6C-related condition. Last evaluated: 2024-11-26. Review status: criteria provided, single submitter. Criteria: ACMG Guidelines, 2015. Collection method: clinical testing. Allele origin: germline.
Comment: This variant is classified as likely benign based on ACMG/AMP sequence variant interpretation guidelines (Richards et al. 2015 PMID: 25741868, with internal and published modifications).

Blueprint Genetics
Classification: Likely benign. Last evaluated: 2024-05-21. Review status: criteria provided, single submitter. Criteria: ACMG Guidelines, 2015. Collection method: clinical testing. Allele origin: germline.

NM_006204.4(PDE6C):c.1854G>A (p.Thr618=)

Gene: PDE6C (phosphodiesterase 6C; plus strand). Cytogenetic location: 10q23.33.
Variant type: single nucleotide variant.
Coding change: c.1854G>A on transcript NM_006204.4 (MANE Select); coding-DNA position 1854, G replaced by A.
Protein change: p.Thr618=; no amino-acid change (threonine 618 retained).
Molecular consequence: synonymous variant.
Genome position (GRCh38, 1-based): chr10:93,645,966, G>A. VCF-style: chr10-93645966-G-A. GRCh37 (hg19) VCF-style: chr10-95405723-G-A.
Identifiers: ClinVar variation 728676 (VCV000728676.13), dbSNP rs200011594, ClinGen allele CA5610326.